The following is an entry in ClinVar:

ClinVar aggregate classification (germline): Uncertain significance (1 of 4 stars; one submission).

Submission:

Ambry Genetics
Classification: Uncertain significance. Last evaluated: 2026-04-28. Review status: criteria provided, single submitter. Criteria: Ambry Variant Classification Scheme 2023. Collection method: clinical testing. Allele origin: germline.
Comment: The p.V298L variant (also known as c.892G>C), located in coding exon 6 of the ATRIP gene, results from a G to C substitution at nucleotide position 892. The valine at codon 298 is replaced by leucine, an amino acid with highly similar properties. This amino acid position is conserved. In addition, this alteration is predicted to be tolerated by in silico analysis. Based on the available evidence, the clinical significance of this variant remains unclear.

NM_130384.3(ATRIP):c.892G>C (p.Val298Leu)

Genes: ATRIP-TREX1 (ATRIP-TREX1 readthrough; plus strand), ATRIP (ATR interacting protein; plus strand). Cytogenetic location: 3p21.31.
Variant type: single nucleotide variant.
Coding change: c.892G>C on transcript NM_130384.3 (MANE Select); coding-DNA position 892, G replaced by C.
Protein change: p.Val298Leu; replaces valine 298 with leucine.
Molecular consequence: missense variant. On other transcripts: non-coding transcript variant (1).
Genome position (GRCh38, 1-based): chr3:48,459,421, G>C. VCF-style: chr3-48459421-G-C. GRCh37 (hg19) VCF-style: chr3-48500820-G-C.
Other names: c.511G>C, p.Val171Leu (NM_001271022.2); c.613G>C, p.Val205Leu (NM_001271023.2); c.892G>C, p.Val298Leu (NM_032166.4); short protein forms V171L, V205L, V298L.
Identifiers: ClinVar variation 4867227 (VCV004867227.1).